The following is an entry in ClinVar:

NM_173598.6(KSR2):c.1394-2G>A

Gene: KSR2 (kinase suppressor of ras 2; minus strand). Cytogenetic location: 12q24.22.
Variant type: single nucleotide variant.
Coding change: c.1394-2G>A on transcript NM_173598.6 (MANE Select); the canonical splice acceptor site of the intron before coding-DNA position 1394, G replaced by A.
Molecular consequence: splice acceptor variant.
Genome position (GRCh38, 1-based): chr12:117,555,295, C>T on the plus strand (G>A on the coding strand, the complement: KSR2 is on the minus strand). VCF-style: chr12-117555295-C-T. GRCh37 (hg19) VCF-style: chr12-117993100-C-T.
Identifiers: ClinVar variation 3354553 (VCV003354553.2).

ClinVar aggregate classification (germline): Uncertain significance. Review status: criteria provided, single submitter (1 of 4 stars). 2 submissions from 2 submitters: Uncertain significance (1). 1 of the submissions does not count toward it. Last evaluated 2026-01-19.

Conditions:
KSR2-related disorder. Also called: KSR2-related condition.

gnomAD v4.1: 8 of 1,613,638 alleles (0.0005%); highest among the groups gnomAD compares: African/African-American, 0.0027%; no homozygotes.

Submissions (2):

Labcorp Genetics (formerly Invitae), Labcorp
Classification: Uncertain significance. Last evaluated: 2026-01-19. Review status: criteria provided, single submitter. Criteria: Invitae Variant Classification Sherloc (09022015). Collection method: clinical testing. Allele origin: germline.
Comment: This sequence change falls in intron 8 of the KSR2 gene. It does not directly change the encoded amino acid sequence of the KSR2 protein. It affects a nucleotide within the consensus splice site. This variant is present in population databases (no rsID available, gnomAD 0.01%). This variant has not been reported in the literature in individuals affected with KSR2-related conditions. ClinVar contains an entry for this variant (Variation ID: 3354553). Variants that disrupt the consensus splice site are a relatively common cause of aberrant splicing (PMID: 17576681, 9536098). In summary, the available evidence is currently insufficient to determine the role of this variant in disease. Therefore, it has been classified as a Variant of Uncertain Significance.

PreventionGenetics, part of Exact Sciences
Classification: Uncertain significance for KSR2-related condition. Last evaluated: 2024-08-30. Review status: no assertion criteria provided. Collection method: clinical testing. Allele origin: germline. Not counted in ClinVar's aggregate classification.
Comment: The KSR2 c.1307-2G>A variant is predicted to interfere with splicing. To our knowledge, this variant has not been reported in the literature. This variant is reported in 0.0097% of alleles in individuals of Ashkenazi Jewish descent in gnomAD. Several KSR2 chain-terminating variants have been reported associated with autosomal dominant disease (Pearce et al. 2013. PubMed ID: 24209692); however, no such variants are associated with KSR2-related disease upstream of this position. Although we suspect that this variant may be pathogenic, at this time, the clinical significance is uncertain due to the absence of conclusive functional and genetic evidence

Literature cited by the submitters: PubMed 17576681 (cited by Labcorp Genetics (formerly Invitae), Labcorp); PubMed 9536098 (cited by Labcorp Genetics (formerly Invitae), Labcorp).